The following is an entry in ClinVar:

NM_000199.5(SGSH):c.382C>T (p.Pro128Ser)

Gene: SGSH (N-sulfoglucosamine sulfohydrolase; minus strand). Cytogenetic location: 17q25.3.
Variant type: single nucleotide variant.
Coding change: c.382C>T on transcript NM_000199.5 (MANE Select); coding-DNA position 382, C replaced by T.
Protein change: p.Pro128Ser; replaces proline 128 with serine.
Molecular consequence: missense variant. On other transcripts: non-coding transcript variant (1).
Genome position (GRCh38, 1-based): chr17:80,214,739, G>A on the plus strand (C>T on the coding strand, the complement: SGSH is on the minus strand). VCF-style: chr17-80214739-G-A. GRCh37 (hg19) VCF-style: chr17-78188538-G-A.
Other names: c.382C>T, p.Pro128Ser (NM_001352921.3, NM_001352922.2); short protein forms P128S.
Identifiers: ClinVar variation 4809985 (VCV004809985.1).
Genomic context (GRCh38, chr17:80,214,739, plus strand): 5'-CCTGGAGGACGGAGCCATTCTCCTCCGTGTACGCAAAGTCAAACGGGTACACGGTCTCCG[G>A]CCCCACGTGCTTCTTCCCGATGATGCCTGGGCGGGAAGAGAGGCCTGGCCAGAGTCCCTT-3'
Protein context (NP_000190.1, residues 118-138): TGIIGKKHVG[Pro128Ser]ETVYPFDFAY

ClinVar aggregate classification (germline): Likely pathogenic (1 of 4 stars; one submission).

Conditions:
Mucopolysaccharidosis, MPS-III-A (MPS3A). Also called: Mucopolysaccharidosis, type IIIA; mucopolysaccharidosis type 3A; MPS IIIA (Sanfilippo Syndrome Type A); HEPARAN SULFATE SULFATASE DEFICIENCY; SANFILIPPO SYNDROME A; SULFAMIDASE DEFICIENCY. Identifiers: Orphanet 581, Orphanet 79269, MedGen C0086647, MONDO:0009655, OMIM 252900.

gnomAD v4.1: 1 of 1,612,646 alleles (0.000062%); highest among the groups gnomAD compares: Non-Finnish European, 0.000085%; no homozygotes.

Submission:

Labcorp Genetics (formerly Invitae), Labcorp
Classification: Likely pathogenic for Mucopolysaccharidosis, MPS-III-A. Last evaluated: 2025-04-28. Review status: criteria provided, single submitter. Criteria: Invitae Variant Classification Sherloc (09022015). Collection method: clinical testing. Allele origin: germline.
Comment: This sequence change replaces proline, which is neutral and non-polar, with serine, which is neutral and polar, at codon 128 of the SGSH protein (p.Pro128Ser). This variant is present in population databases (no rsID available, gnomAD 0.0009%). This variant has not been reported in the literature in individuals affected with SGSH-related conditions. Invitae Evidence Modeling of protein sequence and biophysical properties (such as structural, functional, and spatial information, amino acid conservation, physicochemical variation, residue mobility, and thermodynamic stability) indicates that this missense variant is expected to disrupt SGSH protein function with a positive predictive value of 95%. This variant disrupts the p.Pro128 amino acid residue in SGSH. Other variant(s) that disrupt this residue have been determined to be pathogenic (PMID: 9554748, 12702166). This suggests that this residue is clinically significant, and that variants that disrupt this residue are likely to be disease-causing. In summary, the currently available evidence indicates that the variant is pathogenic, but additional data are needed to prove that conclusively. Therefore, this variant has been classified as Likely Pathogenic.

Literature cited by the submitters: PubMed 9554748; PubMed 12702166.